The following is an entry in ClinVar:

ClinVar aggregate classification (germline): Likely benign (0 of 4 stars; one submission).

Conditions:
POMC-related disorder. Also called: POMC-related disorders; POMC-related condition.

Submission:

PreventionGenetics, part of Exact Sciences
Classification: Likely benign for POMC-related condition. Last evaluated: 2021-03-09. Review status: no assertion criteria provided. Collection method: clinical testing. Allele origin: germline.
Comment: This variant is classified as likely benign based on ACMG/AMP sequence variant interpretation guidelines (Richards et al. 2015 PMID: 25741868, with internal and published modifications).

NM_000939.4(POMC):c.429C>T (p.His143=)

Gene: POMC (proopiomelanocortin; minus strand). Cytogenetic location: 2p23.3.
Variant type: single nucleotide variant.
Coding change: c.429C>T on transcript NM_000939.4 (MANE Select); coding-DNA position 429, C replaced by T.
Protein change: p.His143=; no amino-acid change (histidine 143 retained).
Molecular consequence: synonymous variant.
Genome position (GRCh38, 1-based): chr2:25,161,456, G>A on the plus strand (C>T on the coding strand, the complement: POMC is on the minus strand). VCF-style: chr2-25161456-G-A. GRCh37 (hg19) VCF-style: chr2-25384325-G-A.
Other names: c.429C>T, p.His143= (NM_001035256.3, NM_001319204.2, NM_001319205.2).
Identifiers: ClinVar variation 3057718 (VCV003057718.2), dbSNP rs201519174, ClinGen allele CA1555301.
Genomic context (GRCh38, chr2:25,161,456, plus strand): 5'-GCCGTTAGGGTACACCTTCACTGGGCGCCGCTTCTTGCCCACCGGCTTGCCCCAGCGGAA[G>A]TGCTCCATGGAGTAGGAGCGCTTGCCCTCGCGCGGGCCCGGCTTGGCACCATCGCTGCGG-3'
Protein context (NP_000930.1, residues 133-153): REGKRSYSME[His143=]FRWGKPVGKK